The following is an entry in ClinVar:

NM_005026.5(PIK3CD):c.124C>T (p.Leu42Phe)

Gene: PIK3CD (phosphatidylinositol-4,5-bisphosphate 3-kinase catalytic subunit delta; plus strand). Cytogenetic location: 1p36.22.
Variant type: single nucleotide variant.
Coding change: c.124C>T on transcript NM_005026.5 (MANE Select); coding-DNA position 124, C replaced by T.
Protein change: p.Leu42Phe; replaces leucine 42 with phenylalanine.
Molecular consequence: missense variant.
Genome position (GRCh38, 1-based): chr1:9,710,579, C>T. VCF-style: chr1-9710579-C-T. GRCh37 (hg19) VCF-style: chr1-9770637-C-T.
Other names: c.124C>T, p.Leu42Phe (NM_001350234.2, NM_001350235.1); short protein forms L42F.
Identifiers: ClinVar variation 3700534 (VCV003700534.2).
Genomic context (GRCh38, chr1:9,710,579, plus strand): 5'-GTTGACTTCCTGCTGCCCACAGGGGTCTACCTGAACTTCCCTGTGTCCCGCAATGCCAAC[C>T]TCAGCACCATCAAGCAGGTATGGCCTCCATCCGGTCCTCAGACCTTGGTGCTCAGAGAGA-3'
Protein context (NP_005017.3, residues 32-52): LNFPVSRNAN[Leu42Phe]STIKQLLWHR

ClinVar aggregate classification (germline): Uncertain significance (1 of 4 stars; one submission).

Conditions:
Immunodeficiency 14 (IMD14A). Also called: IMMUNODEFICIENCY 14A WITH LYMPHOPROLIFERATION, AUTOSOMAL DOMINANT; p110-DELTA-ACTIVATING MUTATION CAUSING SENESCENT T CELLS, LYMPHADENOPATHY, AND IMMUNODEFICIENCY; ACTIVATED PI3K-DELTA SYNDROME 1; Activated PI3K Delta Syndrome Type 1 (APDS1). Identifiers: Orphanet 397596, Orphanet 693661, MedGen C5907821, MONDO:0014222, OMIM 615513.

Submission:

Labcorp Genetics (formerly Invitae), Labcorp
Classification: Uncertain significance for Activated PI3K-delta syndrome. Last evaluated: 2024-07-31. Review status: criteria provided, single submitter. Criteria: Invitae Variant Classification Sherloc (09022015). Collection method: clinical testing. Allele origin: germline.
Comment: This sequence change replaces leucine, which is neutral and non-polar, with phenylalanine, which is neutral and non-polar, at codon 42 of the PIK3CD protein (p.Leu42Phe). This variant is not present in population databases (gnomAD no frequency). This variant has not been reported in the literature in individuals affected with PIK3CD-related conditions. Advanced modeling of protein sequence and biophysical properties (such as structural, functional, and spatial information, amino acid conservation, physicochemical variation, residue mobility, and thermodynamic stability) performed at Invitae indicates that this missense variant is not expected to disrupt PIK3CD protein function with a negative predictive value of 80%. In summary, the available evidence is currently insufficient to determine the role of this variant in disease. Therefore, it has been classified as a Variant of Uncertain Significance.